The following is an entry in ClinVar:

ClinVar aggregate classification (germline): Uncertain significance. Review status: criteria provided, multiple submitters, no conflicts (2 of 4 stars). 4 submissions from 4 submitters: Uncertain significance (4). Last evaluated 2025-10-28.

Conditions:
Inborn genetic diseases. Identifiers: MedGen C0950123, MeSH D030342.
MAGEL2-related disorder. Also called: MAGEL2-related condition.

Allele frequency attached by ClinVar (database versions not stated): TOPMed below 0.00001.
gnomAD v4.1: 1 of 1,614,034 alleles (0.000062%); highest among the groups gnomAD compares: Non-Finnish European, 0.000085%; no homozygotes.

Submissions (4):

PreventionGenetics, part of Exact Sciences
Classification: Uncertain significance for MAGEL2-related condition. Last evaluated: 2025-10-28. Review status: criteria provided, single submitter. Criteria: ACMG Guidelines, 2015. Collection method: clinical testing. Allele origin: germline.
Comment: The MAGEL2 c.2330C>T variant is predicted to result in the amino acid substitution p.Pro777Leu. To our knowledge, this variant has not been reported in the literature or in a large population database (gnomAD), indicating this variant is rare. At this time, the clinical significance of this variant is uncertain due to the absence of conclusive functional and genetic evidence.

Dasa
Classification: Uncertain significance. Last evaluated: 2025-06-30. Review status: criteria provided, single submitter. Criteria: DASA Assertion Criteria. Collection method: clinical testing. Allele origin: germline.
Comment: NM_019066.5(MAGEL2):c.2330C>T (p.Pro777Leu) is a missense variant that results in the substitution of proline with leucine. This variant is rare in population databases. The currently available literature and clinical evidence are not sufficient to establish a definitive association between this variant and the reported condition. Therefore, this variant is classified as a variant of uncertain significance.

Labcorp Genetics (formerly Invitae), Labcorp
Classification: Uncertain significance. Last evaluated: 2024-10-28. Review status: criteria provided, single submitter. Criteria: Invitae Variant Classification Sherloc (09022015). Collection method: clinical testing. Allele origin: germline.
Comment: This sequence change replaces proline, which is neutral and non-polar, with leucine, which is neutral and non-polar, at codon 777 of the MAGEL2 protein (p.Pro777Leu). This variant is not present in population databases (gnomAD no frequency). This variant has not been reported in the literature in individuals affected with MAGEL2-related conditions. ClinVar contains an entry for this variant (Variation ID: 2039429). Invitae Evidence Modeling of protein sequence and biophysical properties (such as structural, functional, and spatial information, amino acid conservation, physicochemical variation, residue mobility, and thermodynamic stability) indicates that this missense variant is not expected to disrupt MAGEL2 protein function with a negative predictive value of 80%. In summary, the available evidence is currently insufficient to determine the role of this variant in disease. Therefore, it has been classified as a Variant of Uncertain Significance.

Ambry Genetics
Classification: Uncertain significance for Inborn genetic diseases. Last evaluated: 2023-12-18. Review status: criteria provided, single submitter. Criteria: Ambry Variant Classification Scheme 2023. Collection method: clinical testing. Allele origin: germline.

NM_019066.5(MAGEL2):c.2330C>T (p.Pro777Leu)

Gene: MAGEL2 (MAGE family member L2; minus strand). Cytogenetic location: 15q11.2.
Variant type: single nucleotide variant.
Coding change: c.2330C>T on transcript NM_019066.5 (MANE Select); coding-DNA position 2330, C replaced by T.
Protein change: p.Pro777Leu; replaces proline 777 with leucine.
Molecular consequence: missense variant.
Genome position (GRCh38, 1-based): chr15:23,645,413, G>A on the plus strand (C>T on the coding strand, the complement: MAGEL2 is on the minus strand). VCF-style: chr15-23645413-G-A. GRCh37 (hg19) VCF-style: chr15-23890560-G-A.
Other names: c.2330C>T (NM_019066.4); short protein forms P777L.
Identifiers: ClinVar variation 2039429 (VCV002039429.8), dbSNP rs1468929663, ClinGen allele CA391332212.
Genomic context (GRCh38, chr15:23,645,413, plus strand): 5'-TGAAACTGGGAGGTAGCTGGGAAGACACTTGAGGAGGGAGCAAAGGTCTCCGGTGTGGCA[G>A]GCAGGTTTTTCCAGGCAGCTGGCAGGTGTGCTCGCGCAGCTGACACTGCCTTGGGAGCAC-3'
Protein context (NP_061939.3, residues 767-787): AHLPAAWKNL[Pro777Leu]ATPETFAPSS